The following is an entry in ClinVar:

NM_001372.4(DNAH9):c.11125G>A (p.Val3709Ile)

Gene: DNAH9 (dynein axonemal heavy chain 9; plus strand). Cytogenetic location: 17p12.
Variant type: single nucleotide variant.
Coding change: c.11125G>A on transcript NM_001372.4 (MANE Select); coding-DNA position 11125, G replaced by A.
Protein change: p.Val3709Ile; replaces valine 3709 with isoleucine.
Molecular consequence: missense variant.
Genome position (GRCh38, 1-based): chr17:11,891,789, G>A. VCF-style: chr17-11891789-G-A. GRCh37 (hg19) VCF-style: chr17-11795106-G-A.
Other names: c.11125G>A (NM_001372.3); c.61G>A, p.Val21Ile (NM_004662.2); short protein forms V21I, V3709I.
Identifiers: ClinVar variation 1570711 (VCV001570711.10), dbSNP rs199891855, ClinGen allele CA8397751.

ClinVar aggregate classification (germline): Conflicting classifications of pathogenicity. Review status: criteria provided, conflicting classifications (1 of 4 stars). 3 submissions from 3 submitters: Uncertain significance (1); Benign (1); Likely benign (1). Last evaluated 2025-12-29.

Conditions:
Inborn genetic diseases. Identifiers: MedGen C0950123, MeSH D030342.
DNAH9-related disorder. Also called: DNAH9-related condition.

Allele frequency attached by ClinVar (database versions not stated): TOPMed 0.00009; gnomAD 0.00011 and 0.00026; gnomAD exomes 0.00065; ExAC 0.00068; 1000 Genomes Project 30x 0.00078; 1000 Genomes Project 0.00100.
gnomAD v4.1: 697 of 1,614,052 alleles (0.043%); highest among the groups gnomAD compares: South Asian, 0.44%; 8 homozygotes.

Submissions (3):

Labcorp Genetics (formerly Invitae), Labcorp
Classification: Benign. Last evaluated: 2025-12-29. Review status: criteria provided, single submitter. Criteria: Invitae Variant Classification Sherloc (09022015). Collection method: clinical testing. Allele origin: germline.

PreventionGenetics, part of Exact Sciences
Classification: Likely benign for DNAH9-related condition. Last evaluated: 2024-10-27. Review status: criteria provided, single submitter. Criteria: ACMG Guidelines, 2015. Collection method: clinical testing. Allele origin: germline.
Comment: This variant is classified as likely benign based on ACMG/AMP sequence variant interpretation guidelines (Richards et al. 2015 PMID: 25741868, with internal and published modifications).

Ambry Genetics
Classification: Uncertain significance for Inborn genetic diseases. Last evaluated: 2021-10-22. Review status: criteria provided, single submitter. Criteria: Ambry Variant Classification Scheme 2023. Collection method: clinical testing. Allele origin: germline.